The following is an entry in ClinVar:

ClinVar aggregate classification (germline): Likely benign. Review status: criteria provided, multiple submitters, no conflicts (2 of 4 stars). 3 submissions from 3 submitters: Likely benign (3). Last evaluated 2024-08-11.

Conditions:
Arrhythmogenic cardiomyopathy with wooly hair and keratoderma. Also called: Dilated cardiomyopathy with woolly hair and keratoderma; PALMOPLANTAR KERATODERMA WITH LEFT VENTRICULAR CARDIOMYOPATHY AND WOOLLY HAIR; Carvajal syndrome; Arrhythmogenic cardiomyopathy with woolly hair and keratoderma. Identifiers: Orphanet 65282, MedGen C1854063, MONDO:0011581, OMIM 605676.
Arrhythmogenic right ventricular dysplasia 8 (ARVD8). Also called: ARRHYTHMOGENIC RIGHT VENTRICULAR DYSPLASIA, FAMILIAL, 8; ARRHYTHMOGENIC RIGHT VENTRICULAR CARDIOMYOPATHY 8; Arrhythmogenic Right Ventricular Dysplasia/Cardiomyopathy 8. Identifiers: MedGen C1843896, MONDO:0011831, OMIM 607450.

Submissions (3):

Labcorp Genetics (formerly Invitae), Labcorp
Classification: Likely benign for Arrhythmogenic cardiomyopathy with wooly hair and keratoderma; Arrhythmogenic right ventricular dysplasia 8. Last evaluated: 2024-08-11. Review status: criteria provided, single submitter. Criteria: Invitae Variant Classification Sherloc (09022015). Collection method: clinical testing. Allele origin: germline.

All of Us Research Program, National Institutes of Health
Classification: Likely benign for Arrhythmogenic cardiomyopathy with wooly hair and keratoderma. Last evaluated: 2023-06-26. Review status: criteria provided, single submitter. Criteria: ACMG Guidelines, 2015. Collection method: clinical testing. Allele origin: germline. Inheritance: Autosomal dominant inheritance. Observed: 1 variant allele, 1 heterozygote.
Comment: This study involves interpretation of variants in research participants for the purpose of population health screening. Participant phenotype was not available at the time of variant classification. Additional details can be found in publication PMID: 35346344, PMCID: PMC8962531

ARUP Laboratories, Molecular Genetics and Genomics, ARUP Laboratories
Classification: Likely benign. Last evaluated: 2020-02-25. Review status: criteria provided, single submitter. Criteria: ARUP Molecular Germline Variant Investigation Process. Collection method: clinical testing. Allele origin: germline.

NM_004415.4(DSP):c.2418T>C (p.Ala806=)

Gene: DSP (desmoplakin; plus strand). Cytogenetic location: 6p24.3.
Variant type: single nucleotide variant.
Coding change: c.2418T>C on transcript NM_004415.4 (MANE Select); coding-DNA position 2418, T replaced by C.
Protein change: p.Ala806=; no amino-acid change (alanine 806 retained).
Molecular consequence: synonymous variant.
Genome position (GRCh38, 1-based): chr6:7,574,777, T>C. VCF-style: chr6-7574777-T-C. GRCh37 (hg19) VCF-style: chr6-7575010-T-C.
Other names: c.2418T>C, p.Ala806= (NM_001008844.3, NM_001319034.2).
Identifiers: ClinVar variation 994254 (VCV000994254.11), dbSNP rs1759183681, ClinGen allele CA448527460.